The following is an entry in ClinVar:

NM_175875.5(SIX5):c.1336C>T (p.Pro446Ser)

Gene: SIX5 (SIX homeobox 5; minus strand). Cytogenetic location: 19q13.32.
Variant type: single nucleotide variant.
Coding change: c.1336C>T on transcript NM_175875.5 (MANE Select); coding-DNA position 1336, C replaced by T.
Protein change: p.Pro446Ser; replaces proline 446 with serine.
Molecular consequence: missense variant.
Genome position (GRCh38, 1-based): chr19:45,766,623, G>A on the plus strand (C>T on the coding strand, the complement: SIX5 is on the minus strand). VCF-style: chr19-45766623-G-A. GRCh37 (hg19) VCF-style: chr19-46269881-G-A.
Other names: c.1336C>T (NM_175875.4); short protein forms P446S.
Identifiers: ClinVar variation 3710267 (VCV003710267.3).

ClinVar aggregate classification (germline): Uncertain significance. Review status: criteria provided, multiple submitters, no conflicts (2 of 4 stars). 2 submissions from 2 submitters: Uncertain significance (2). Last evaluated 2025-01-10.

Conditions:
SIX5-related disorder. Also called: SIX5-related condition.

gnomAD v4.1: 12 of 1,472,764 alleles (0.00081%); highest among the groups gnomAD compares: Admixed American, 0.0049%; no homozygotes.

Submissions (2):

PreventionGenetics, part of Exact Sciences
Classification: Uncertain significance for SIX5-related condition. Last evaluated: 2025-01-10. Review status: criteria provided, single submitter. Criteria: ACMG Guidelines, 2015. Collection method: clinical testing. Allele origin: germline.
Comment: The SIX5 c.1336C>T variant is predicted to result in the amino acid substitution p.Pro446Ser. To our knowledge, this variant has not been reported in the literature. This variant is reported in 0.0035% of alleles in individuals of European (Non-Finnish) descent in gnomAD. At this time, the clinical significance of this variant is uncertain due to the absence of conclusive functional and genetic evidence.

Labcorp Genetics (formerly Invitae), Labcorp
Classification: Uncertain significance. Last evaluated: 2024-03-16. Review status: criteria provided, single submitter. Criteria: Invitae Variant Classification Sherloc (09022015). Collection method: clinical testing. Allele origin: germline.
Comment: This sequence change replaces proline, which is neutral and non-polar, with serine, which is neutral and polar, at codon 446 of the SIX5 protein (p.Pro446Ser). This variant is not present in population databases (gnomAD no frequency). This variant has not been reported in the literature in individuals affected with SIX5-related conditions. Advanced modeling of protein sequence and biophysical properties (such as structural, functional, and spatial information, amino acid conservation, physicochemical variation, residue mobility, and thermodynamic stability) performed at Invitae indicates that this missense variant is not expected to disrupt SIX5 protein function with a negative predictive value of 80%. In summary, the available evidence is currently insufficient to determine the role of this variant in disease. Therefore, it has been classified as a Variant of Uncertain Significance.